The following is an entry in ClinVar:

NM_198060.4(NRAP):c.2380A>C (p.Lys794Gln)

Gene: NRAP (nebulin related anchoring protein; minus strand). Cytogenetic location: 10q25.3.
Variant type: single nucleotide variant.
Coding change: c.2380A>C on transcript NM_198060.4 (MANE Select); coding-DNA position 2380, A replaced by C.
Protein change: p.Lys794Gln; replaces lysine 794 with glutamine.
Molecular consequence: missense variant. On other transcripts: intron variant (1).
Genome position (GRCh38, 1-based): chr10:113,623,606, T>G on the plus strand (A>C on the coding strand, the complement: NRAP is on the minus strand). VCF-style: chr10-113623606-T-G. GRCh37 (hg19) VCF-style: chr10-115383365-T-G.
Other names: c.2380A>C (NM_198060.3, NM_198060.2); c.2380A>C, p.Lys794Gln (NM_001261463.2); c.2275A>C, p.Lys759Gln (NM_006175.5); c.2349+1220A>C (NM_001322945.2); short protein forms K759Q, K794Q.
Identifiers: ClinVar variation 2632093 (VCV002632093.4), dbSNP rs758346715, ClinGen allele CA5695197.

ClinVar aggregate classification (germline): Uncertain significance. Review status: criteria provided, multiple submitters, no conflicts (2 of 4 stars). 4 submissions from 4 submitters: Uncertain significance (4). Last evaluated 2026-09-21.

Conditions:
Inborn genetic diseases. Identifiers: MedGen C0950123, MeSH D030342.
Cardiovascular phenotype. Identifiers: MedGen CN230736.
NRAP-related disorder. Also called: NRAP-related condition.

Allele frequency attached by ClinVar (database versions not stated): gnomAD exomes below 0.00001; TOPMed 0.00001; gnomAD 0.00002; ExAC 0.00002.
gnomAD v4.1: 23 of 1,613,924 alleles (0.0014%); highest among the groups gnomAD compares: East Asian, 0.0067%; no homozygotes.

Submissions (4):

Molecular Diagnostic Laboratory for Inherited Cardiovascular Disease, Montreal Heart Institute
Classification: Uncertain significance for Cardiovascular phenotype. Last evaluated: 2026-09-21. Review status: criteria provided, single submitter. Criteria: ACMG Guidelines, 2015. Collection method: clinical testing. Allele origin: germline. Affected: yes.
Comment: PM2

Blueprint Genetics
Classification: Uncertain significance. Last evaluated: 2024-10-23. Review status: criteria provided, single submitter. Criteria: ACMG Guidelines, 2015. Collection method: clinical testing. Allele origin: germline.

PreventionGenetics, part of Exact Sciences
Classification: Uncertain significance for NRAP-related condition. Last evaluated: 2023-08-17. Review status: criteria provided, single submitter. Criteria: ACMG Guidelines, 2015. Collection method: clinical testing. Allele origin: germline.
Comment: The NRAP c.2380A>C variant is predicted to result in the amino acid substitution p.Lys794Gln. To our knowledge, this variant has not been reported in the literature. This variant is reported in 0.015% of alleles in individuals of East Asian descent in gnomAD. At this time, the clinical significance of this variant is uncertain due to the absence of conclusive functional and genetic evidence.

Ambry Genetics
Classification: Uncertain significance for Inborn genetic diseases. Last evaluated: 2021-07-20. Review status: criteria provided, single submitter. Criteria: Ambry Variant Classification Scheme 2023. Collection method: clinical testing. Allele origin: germline.